The following is an entry in ClinVar:

NM_005263.5(GFI1):c.526G>T (p.Gly176Cys)

Gene: GFI1 (growth factor independent 1 transcriptional repressor; minus strand). Cytogenetic location: 1p22.1.
Variant type: single nucleotide variant.
Coding change: c.526G>T on transcript NM_005263.5 (MANE Select); coding-DNA position 526, G replaced by T.
Protein change: p.Gly176Cys; replaces glycine 176 with cysteine.
Molecular consequence: missense variant.
Genome position (GRCh38, 1-based): chr1:92,480,861, C>A on the plus strand (G>T on the coding strand, the complement: GFI1 is on the minus strand). VCF-style: chr1-92480861-C-A. GRCh37 (hg19) VCF-style: chr1-92946418-C-A.
Other names: c.526G>T, p.Gly176Cys (NM_001127215.3, NM_001127216.3); short protein forms G176C.
Identifiers: ClinVar variation 4827136 (VCV004827136.1).

ClinVar aggregate classification (germline): Uncertain significance (1 of 4 stars; one submission).

gnomAD v4.1: 1 of 1,458,686 alleles (0.000069%); highest among the groups gnomAD compares: Non-Finnish European, 0.00009%; no homozygotes.

Submission:

Ambry Genetics
Classification: Uncertain significance. Last evaluated: 2026-03-08. Review status: criteria provided, single submitter. Criteria: Ambry Variant Classification Scheme 2023. Collection method: clinical testing. Allele origin: germline.
Comment: The p.G176C variant (also known as c.526G>T), located in coding exon 3 of the GFI1 gene, results from a G to T substitution at nucleotide position 526. The glycine at codon 176 is replaced by cysteine, an amino acid with highly dissimilar properties. This amino acid position is conserved. In addition, this alteration is predicted to be tolerated by in silico analysis. Based on the available evidence, the clinical significance of this variant remains unclear.